The following is an entry in ClinVar:

NM_003896.4(ST3GAL5):c.1003G>C (p.Asp335His)

Gene: ST3GAL5 (ST3 beta-galactoside alpha-2,3-sialyltransferase 5; minus strand). Cytogenetic location: 2p11.2.
Variant type: single nucleotide variant.
Coding change: c.1003G>C on transcript NM_003896.4 (MANE Select); coding-DNA position 1003, G replaced by C.
Protein change: p.Asp335His; replaces aspartic acid 335 with histidine.
Molecular consequence: missense variant. On other transcripts: intron variant (1).
Genome position (GRCh38, 1-based): chr2:85,844,401, C>G on the plus strand (G>C on the coding strand, the complement: ST3GAL5 is on the minus strand). VCF-style: chr2-85844401-C-G. GRCh37 (hg19) VCF-style: chr2-86071524-C-G.
Other names: c.934G>C, p.Asp312His (NM_001042437.2); c.619G>C, p.Asp207His (NM_001354223.2, NM_001354224.2, NM_001354226.2 and 3 more transcripts); c.919G>C, p.Asp307His (NM_001354227.2, NM_001354229.2, NM_001354238.1); c.280G>C, p.Asp94His (NM_001354247.1); c.849+1976G>C (NM_001363847.1); short protein forms D207H, D94H, D307H, D335H, D312H.
Identifiers: ClinVar variation 2141240 (VCV002141240.1), dbSNP rs1192821983, ClinGen allele CA347503359.
Genomic context (GRCh38, chr2:85,844,401, plus strand): 5'-GTACACATCGCCCCTCAAACAGGGAATGATTAACTTTGAGTAGCAACAAAAATACCTTAT[C>G]TCGGCCCCAGAACCTTGACTGAGGCTCTGAGTACTGAAGGATGTCAAAGGCAGTCTCTTT-3'
Protein context (NP_003887.3, residues 325-345): SEPQSRFWGR[Asp335His]KNVPTIGVIA

ClinVar aggregate classification (germline): Uncertain significance (1 of 4 stars; one submission).

Conditions:
GM3 synthase deficiency (SPDRS). Also called: SALT AND PEPPER MENTAL RETARDATION SYNDROME; SALT AND PEPPER DEVELOPMENTAL REGRESSION SYNDROME; AMISH INFANTILE EPILEPSY SYNDROME. Identifiers: Orphanet 171714, Orphanet 370933, MedGen C1836824, MONDO:0018274, OMIM 609056.

Allele frequency attached by ClinVar (database versions not stated): gnomAD exomes below 0.00001; TOPMed below 0.00001.
gnomAD v4.1: 1 of 1,614,216 alleles (0.000062%); highest among the groups gnomAD compares: African/African-American, 0.0013%; no homozygotes.

Submission:

Labcorp Genetics (formerly Invitae), Labcorp
Classification: Uncertain significance for GM3 synthase deficiency. Last evaluated: 2022-07-01. Review status: criteria provided, single submitter. Criteria: Invitae Variant Classification Sherloc (09022015). Collection method: clinical testing. Allele origin: germline.
Comment: This sequence change replaces aspartic acid, which is acidic and polar, with histidine, which is basic and polar, at codon 335 of the ST3GAL5 protein (p.Asp335His). This variant is not present in population databases (gnomAD no frequency). This variant has not been reported in the literature in individuals affected with ST3GAL5-related conditions. Algorithms developed to predict the effect of missense changes on protein structure and function (SIFT, PolyPhen-2, Align-GVGD) all suggest that this variant is likely to be disruptive. In summary, the available evidence is currently insufficient to determine the role of this variant in disease. Therefore, it has been classified as a Variant of Uncertain Significance.